The following is an entry in ClinVar:

ClinVar aggregate classification (germline): Benign/Likely benign. Review status: criteria provided, multiple submitters, no conflicts (2 of 4 stars). 4 submissions from 4 submitters: Benign (1); Likely benign (2). 1 of the submissions does not count toward it. Last evaluated 2024-10-23.

Conditions:
SH3BP2-related disorder. Also called: SH3BP2-related condition.
Fibrous dysplasia of jaw (CRBM). Also called: Cherubism. Identifiers: Orphanet 184, MedGen C0008029, MONDO:0007315, OMIM 118400.

Allele frequency attached by ClinVar (database versions not stated): 1000 Genomes Project 30x 0.00016; 1000 Genomes Project 0.00020; ESP Exome Variant Server 0.00023; TOPMed 0.00081; gnomAD 0.00101 and 0.00105; gnomAD exomes 0.00105 and 0.00135; ExAC 0.00131.
gnomAD v4.1: 2,092 of 1,613,998 alleles (0.13%); highest among the groups gnomAD compares: Non-Finnish European, 0.15%; 1 homozygote.

Submissions (4):

Blueprint Genetics
Classification: Likely benign. Last evaluated: 2024-10-23. Review status: criteria provided, single submitter. Criteria: ACMG Guidelines, 2015. Collection method: clinical testing. Allele origin: germline.

Labcorp Genetics (formerly Invitae), Labcorp
Classification: Likely benign. Last evaluated: 2018-11-14. Review status: criteria provided, single submitter. Criteria: Invitae Variant Classification Sherloc (09022015). Collection method: clinical testing. Allele origin: germline.

Illumina Laboratory Services, Illumina
Classification: Benign for Fibrous dysplasia of jaw. Last evaluated: 2018-01-13. Review status: criteria provided, single submitter. Criteria: ICSL Variant Classification Criteria 13 December 2019. Collection method: clinical testing. Allele origin: germline.
Comment: This variant was observed in the ICSL laboratory as part of a predisposition screen in an ostensibly healthy population. It had not been previously curated by ICSL or reported in the Human Gene Mutation Database (HGMD: prior to June 1st, 2018), and was therefore a candidate for classification through an automated scoring system. Utilizing variant allele frequency, disease prevalence and penetrance estimates, and inheritance mode, an automated score was calculated to assess if this variant is too frequent to cause the disease. Based on the score and internal cut-off values, a variant classified as benign is not then subjected to further curation. The score for this variant resulted in a classification of benign for this disease.

PreventionGenetics, part of Exact Sciences
Classification: Likely benign for SH3BP2-related condition. Last evaluated: 2019-06-17. Review status: no assertion criteria provided. Collection method: clinical testing. Allele origin: germline. Not counted in ClinVar's aggregate classification.
Comment: This variant is classified as likely benign based on ACMG/AMP sequence variant interpretation guidelines (Richards et al. 2015 PMID: 25741868, with internal and published modifications).

NM_001122681.2(SH3BP2):c.299A>G (p.His100Arg)

Gene: SH3BP2 (SH3 domain binding protein 2; plus strand). Cytogenetic location: 4p16.3.
Variant type: single nucleotide variant.
Coding change: c.299A>G on transcript NM_001122681.2 (MANE Select); coding-DNA position 299, A replaced by G.
Protein change: p.His100Arg; replaces histidine 100 with arginine.
Molecular consequence: missense variant.
Genome position (GRCh38, 1-based): chr4:2,824,672, A>G. VCF-style: chr4-2824672-A-G. GRCh37 (hg19) VCF-style: chr4-2826399-A-G.
Other names: c.299A>G, p.His100Arg (LRG_1334t1, NM_003023.4); c.383A>G, p.His128Arg (LRG_1334t2, NM_001145855.2); c.470A>G, p.His157Arg (NM_001145856.2); short protein forms H100R, H128R, H157R.
Identifiers: ClinVar variation 348570 (VCV000348570.11), dbSNP rs142051964, ClinGen allele CA2819000.
Genomic context (GRCh38, chr4:2,824,672, plus strand): 5'-GGGTGATGCGGGCGGCTGAGGAGACCACGTCCAACAACGTTTTCCCCTTCAAGATCATCC[A>G]TATCAGCAAGAAGCACCGCACGTGGTTCTTCTCGGCCTCCTCCGAGGAGGAGCGCAAGGT-3'
Protein context (NP_001116153.1, residues 90-110): SNNVFPFKII[His100Arg]ISKKHRTWFF